The following is an entry in ClinVar:

NM_017612.5(ZCCHC8):c.105_113del (p.Asp35_Asp37del)

Gene: ZCCHC8 (zinc finger CCHC-type containing 8; minus strand). Cytogenetic location: 12q24.31.
Variant type: Deletion.
Coding change: c.105_113del on transcript NM_017612.5 (MANE Select); coding-DNA positions 105 to 113, 9 bases deleted (CGGCGACGA; older notation c.105_113delCGGCGACGA).
Protein change: p.Asp35_Asp37del.
Molecular consequence: inframe deletion. On other transcripts: 5 prime UTR variant (3).
Genome position (GRCh38, 1-based): chr12:122,500,728-122,500,736, TCGTCGCCG deleted on the plus strand (CGGCGACGA on the coding strand, the reverse complement: ZCCHC8 is on the minus strand); deleting any 9 consecutive bases within chr12:122,500,728-122,500,742 gives the same sequence; the c. name uses the placement nearest the transcript's 3' end. VCF-style (leftmost placement, unchanged base first): chr12-122500727-CTCGTCGCCG-C. GRCh37 (hg19) VCF-style: chr12-122985274-CTCGTCGCCG-C.
Other names: c.105_113del, p.Asp35_Asp37del (NM_001350935.2); c.-819_-811del (NM_001350936.2); c.-440_-432del (NM_001350937.2); c.-334_-326del (NM_001350938.2).
Identifiers: ClinVar variation 4705462 (VCV004705462.1).

ClinVar aggregate classification (germline): Uncertain significance (1 of 4 stars; one submission).

Submission:

Labcorp Genetics (formerly Invitae), Labcorp
Classification: Uncertain significance. Last evaluated: 2025-08-12. Review status: criteria provided, single submitter. Criteria: Invitae Variant Classification Sherloc (09022015). Collection method: clinical testing. Allele origin: germline.
Comment: This variant, c.105_113del, results in the deletion of 3 amino acid(s) of the ZCCHC8 protein (p.Asp35_Asp37del), but otherwise preserves the integrity of the reading frame. This variant is present in population databases (rs760259506, gnomAD 0.03%). This variant has not been reported in the literature in individuals affected with ZCCHC8-related conditions. Experimental studies and prediction algorithms are not available or were not evaluated, and the functional significance of this variant is currently unknown. In summary, the available evidence is currently insufficient to determine the role of this variant in disease. Therefore, it has been classified as a Variant of Uncertain Significance.